The following is an entry in ClinVar:

ClinVar aggregate classification (germline): Conflicting classifications of pathogenicity. Review status: criteria provided, conflicting classifications (1 of 4 stars). 6 submissions from 6 submitters: Uncertain significance (4); Likely benign (1). 1 of the submissions does not count toward it. Last evaluated 2025-12-16.

Conditions:
SZT2-related disorder. Also called: SZT2-related condition.
Inborn genetic diseases. Identifiers: MedGen C0950123, MeSH D030342.
Developmental and epileptic encephalopathy, 18 (DEE18). Also called: Early infantile epileptic encephalopathy 18. Identifiers: Orphanet 369894, MedGen C3809624, MONDO:0014201, OMIM 615476.

Allele frequency attached by ClinVar (database versions not stated): gnomAD exomes 0.00007 and 0.00018; 1000 Genomes Project 30x 0.00016; 1000 Genomes Project 0.00020; ExAC 0.00022; gnomAD 0.00073; TOPMed 0.00077; ESP Exome Variant Server 0.00092.
gnomAD v4.1: 221 of 1,614,122 alleles (0.014%); highest among the groups gnomAD compares: African/African-American, 0.26%; no homozygotes.

Submissions (6):

Labcorp Genetics (formerly Invitae), Labcorp
Classification: Likely benign. Last evaluated: 2025-12-16. Review status: criteria provided, single submitter. Criteria: Invitae Variant Classification Sherloc (09022015). Collection method: clinical testing. Allele origin: germline.

Women's Health and Genetics/Laboratory Corporation of America, LabCorp
Classification: Uncertain significance. Last evaluated: 2024-01-03. Review status: criteria provided, single submitter. Criteria: LabCorp Variant Classification Summary - May 2015. Collection method: clinical testing. Allele origin: germline.
Comment: Variant summary: C1orf84 c.6172C>G (p.Pro2058Ala) results in a non-conservative amino acid change in the encoded protein sequence. Three of four in-silico tools predict a benign effect of the variant on protein function. The variant allele was found at a frequency of 0.00024 in 282628 control chromosomes (gnomAD). To our knowledge, no occurrence of c.6172C>G in individuals affected with Early Infantile Epileptic Encephalopathy 18 and no experimental evidence demonstrating its impact on protein function have been reported. Four submitters have cited clinical-significance assessments for this variant to ClinVar after 2014 and classified this variant as uncertain significance (n=3) and likely benign (n=1). Based on the evidence outlined above, the variant was classified as uncertain significance.

New York Genome Center
Classification: Uncertain significance for Developmental and epileptic encephalopathy, 18. Last evaluated: 2022-02-25. Review status: criteria provided, single submitter. Criteria: NYGC Assertion Criteria 2020. Collection method: clinical testing. Allele origin: germline. Observed: 1 heterozygote. Study: CSER-NYCKidSeq.

GeneDx
Classification: Uncertain significance. Last evaluated: 2022-02-23. Review status: criteria provided, single submitter. Criteria: GeneDx Variant Classification Process June 2021. Collection method: clinical testing. Allele origin: germline. Affected: yes.
Comment: In silico analysis supports that this missense variant does not alter protein structure/function; Has not been previously published as pathogenic or benign to our knowledge

Ambry Genetics
Classification: Uncertain significance for Inborn genetic diseases. Last evaluated: 2018-10-29. Review status: criteria provided, single submitter. Criteria: Ambry Variant Classification Scheme 2023. Collection method: clinical testing. Allele origin: germline.
Comment: The p.P2058A variant (also known as c.6172C>G), located in coding exon 44 of the SZT2 gene, results from a C to G substitution at nucleotide position 6172. The proline at codon 2058 is replaced by alanine, an amino acid with highly similar properties. This amino acid position is not well conserved in available vertebrate species. In addition, this alteration is predicted to be tolerated by in silico analysis. Since supporting evidence is limited at this time, the clinical significance of this alteration remains unclear.

PreventionGenetics, part of Exact Sciences
Classification: Likely benign for SZT2-related condition. Last evaluated: 2023-03-14. Review status: no assertion criteria provided. Collection method: clinical testing. Allele origin: germline. Not counted in ClinVar's aggregate classification.
Comment: This variant is classified as likely benign based on ACMG/AMP sequence variant interpretation guidelines (Richards et al. 2015 PMID: 25741868, with internal and published modifications).

NM_001365999.1(SZT2):c.6343C>G (p.Pro2115Ala)

Gene: SZT2 (SZT2 subunit of KICSTOR complex; plus strand). Cytogenetic location: 1p34.2.
Variant type: single nucleotide variant.
Coding change: c.6343C>G on transcript NM_001365999.1 (MANE Select); coding-DNA position 6343, C replaced by G.
Protein change: p.Pro2115Ala; replaces proline 2115 with alanine.
Molecular consequence: missense variant.
Genome position (GRCh38, 1-based): chr1:43,437,647, C>G. VCF-style: chr1-43437647-C-G. GRCh37 (hg19) VCF-style: chr1-43903318-C-G.
Other names: c.6172C>G, p.Pro2058Ala (NM_015284.4); short protein forms P2115A, P2058A.
Identifiers: ClinVar variation 696763 (VCV000696763.22), dbSNP rs147309177, ClinGen allele CA809852.